The following is an entry in ClinVar:

ClinVar aggregate classification (germline): Uncertain significance (0 of 4 stars; one submission).

Conditions:
KIDINS220-related disorder. Also called: KIDINS220-related condition.

Allele frequency attached by ClinVar (database versions not stated): gnomAD exomes below 0.00001; ExAC 0.00001; gnomAD 0.00001.
gnomAD v4.1: 2 of 1,614,034 alleles (0.00012%); highest among the groups gnomAD compares: Non-Finnish European, 0.00017%; no homozygotes.

Submission:

PreventionGenetics, part of Exact Sciences
Classification: Uncertain significance for KIDINS220-related condition. Last evaluated: 2023-11-16. Review status: no assertion criteria provided. Collection method: clinical testing. Allele origin: germline.
Comment: The KIDINS220 c.2536A>G variant is predicted to result in the amino acid substitution p.Ser846Gly. To our knowledge, this variant has not been reported in the literature. This variant is reported in 0.00088% of alleles in individuals of European (Non-Finnish) descent in gnomAD. At this time, the clinical significance of this variant is uncertain due to the absence of conclusive functional and genetic evidence.

NM_020738.4(KIDINS220):c.2536A>G (p.Ser846Gly)

Gene: KIDINS220 (kinase D interacting substrate 220; minus strand). Cytogenetic location: 2p25.1.
Variant type: single nucleotide variant.
Coding change: c.2536A>G on transcript NM_020738.4 (MANE Select); coding-DNA position 2536, A replaced by G.
Protein change: p.Ser846Gly; replaces serine 846 with glycine.
Molecular consequence: missense variant. On other transcripts: non-coding transcript variant (2).
Genome position (GRCh38, 1-based): chr2:8,778,974, T>C on the plus strand (A>G on the coding strand, the complement: KIDINS220 is on the minus strand). VCF-style: chr2-8778974-T-C. GRCh37 (hg19) VCF-style: chr2-8919104-T-C.
Other names: c.2539A>G, p.Ser847Gly (NM_001348729.2, NM_001348731.2, NM_001348734.2 and 3 more transcripts); c.2536A>G, p.Ser846Gly (NM_001348732.2, NM_001348735.2, NM_001348738.2 and 3 more transcripts); c.2410A>G, p.Ser804Gly (NM_001348736.2); short protein forms S804G, S846G, S847G.
Identifiers: ClinVar variation 3030739 (VCV003030739.2), dbSNP rs757297669, ClinGen allele CA1519956.